The following is an entry in ClinVar:

NM_000275.3(OCA2):c.409_415del (p.Arg137fs)

Gene: OCA2 (OCA2 melanosomal transmembrane protein; minus strand). Cytogenetic location: 15q13.1.
Variant type: Deletion.
Coding change: c.409_415del on transcript NM_000275.3 (MANE Select); coding-DNA positions 409 to 415, 7 bases deleted (AGATACC; older notation c.409_415delAGATACC).
Protein change: p.Arg137fs; shifts the reading frame from arginine 137.
Molecular consequence: frameshift variant.
Genome position (GRCh38, 1-based): chr15:28,027,971-28,027,977, GGTATCT deleted on the plus strand (AGATACC on the coding strand, the reverse complement: OCA2 is on the minus strand). VCF-style (leftmost placement, unchanged base first): chr15-28027970-AGGTATCT-A. GRCh37 (hg19) VCF-style: chr15-28273116-AGGTATCT-A.
Other names: c.409_415del, p.Arg137fs (NM_001300984.2); short protein forms R137fs.
Identifiers: ClinVar variation 3239993 (VCV003239993.3), dbSNP rs2548495539.

ClinVar aggregate classification (germline): Pathogenic/Likely pathogenic. Review status: criteria provided, multiple submitters, no conflicts (2 of 4 stars). 3 submissions from 3 submitters: Pathogenic (2); Likely pathogenic (1). Last evaluated 2026-09-01.

Conditions:
Tyrosinase-positive oculocutaneous albinism (OCA2). Also called: ALBINISM II; Oculocutaneous albinism type 2; Albinism, oculocutaneous, type II. Identifiers: Orphanet 79432, MedGen C0268495, MONDO:0008746, OMIM 203200.
SKIN/HAIR/EYE PIGMENTATION 1, BLUE/NONBLUE EYES (SHEP1). Also called: BROWN EYE COLOR 2; EYE COLOR 3; EYE COLOR, BLUE/NONBLUE; EYE COLOR, BROWN/BLUE; HAIR COLOR 3; SKIN/HAIR/EYE PIGMENTATION 1, BLOND/BROWN HAIR. Identifiers: MedGen C1856895, OMIM 227220.

Submissions (3):

Myriad Genetics, Inc.
Classification: Pathogenic for Tyrosinase-positive oculocutaneous albinism. Last evaluated: 2026-09-01. Review status: criteria provided, single submitter. Criteria: Myriad Autosomal Dominant, Autosomal Recessive and X-Linked Classification Criteria (2023). Collection method: clinical testing. Allele origin: unknown.
Comment: NM_000275.2(OCA2):c.409_415del7(R137Cfs*2) is expected to be pathogenic in the context of oculocutaneous albinism, OCA2-related. This variant is predicted to lead to an abnormal or absent protein product due to the creation of a premature termination codon in OCA2, a gene where loss-of-function variants are known to be pathogenic. Please note: this variant was assessed in the context of healthy population screening.

Labcorp Genetics (formerly Invitae), Labcorp
Classification: Pathogenic. Last evaluated: 2025-08-27. Review status: criteria provided, single submitter. Criteria: Invitae Variant Classification Sherloc (09022015). Collection method: clinical testing. Allele origin: germline.
Comment: This sequence change creates a premature translational stop signal (p.Arg137Cysfs*2) in the OCA2 gene. It is expected to result in an absent or disrupted protein product. Loss-of-function variants in OCA2 are known to be pathogenic (PMID: 19865097, 21541274). This variant is not present in population databases (gnomAD no frequency). This variant has not been reported in the literature in individuals affected with OCA2-related conditions. ClinVar contains an entry for this variant (Variation ID: 3239993). For these reasons, this variant has been classified as Pathogenic.

Baylor Genetics
Classification: Likely pathogenic for SKIN/HAIR/EYE PIGMENTATION 1, BLUE/NONBLUE EYES. Last evaluated: 2024-03-14. Review status: criteria provided, single submitter. Criteria: ACMG Guidelines, 2015. Collection method: clinical testing. Allele origin: unknown.

Literature cited by the submitters: PubMed 19865097 (cited by Labcorp Genetics (formerly Invitae), Labcorp); PubMed 21541274 (cited by Labcorp Genetics (formerly Invitae), Labcorp).